The following is an entry in ClinVar:

NM_004991.4(MECOM):c.1517T>A (p.Ile506Lys)

Gene: MECOM (MDS1 and EVI1 complex locus; minus strand). Cytogenetic location: 3q26.2.
Variant type: single nucleotide variant.
Coding change: c.1517T>A on transcript NM_004991.4 (MANE Select); coding-DNA position 1517, T replaced by A.
Protein change: p.Ile506Lys; replaces isoleucine 506 with lysine.
Molecular consequence: missense variant. On other transcripts: intron variant (2).
Genome position (GRCh38, 1-based): chr3:169,116,355, A>T on the plus strand (T>A on the coding strand, the complement: MECOM is on the minus strand). VCF-style: chr3-169116355-A-T. GRCh37 (hg19) VCF-style: chr3-168834143-A-T.
Other names: c.953T>A, p.Ile318Lys (NM_001366469.2, NM_001366471.2, NM_001366472.2 and 4 more transcripts); c.956T>A, p.Ile319Lys (NM_001366470.2, NM_001163999.2, NM_001366467.2 and 1 more transcripts); c.1133-588T>A (NM_001366473.2); c.569-588T>A (NM_001366474.2); c.1148T>A, p.Ile383Lys (NM_001105077.4); c.1517T>A, p.Ile506Lys (NM_001366466.2); short protein forms I506K, I318K, I383K, I319K.
Identifiers: ClinVar variation 5024197 (VCV005024197.1).

ClinVar aggregate classification (germline): Uncertain significance (1 of 4 stars; one submission).

Conditions:
Inborn genetic diseases. Identifiers: MedGen C0950123, MeSH D030342.

gnomAD v4.1: 5 of 1,614,222 alleles (0.00031%); highest among the groups gnomAD compares: South Asian, 0.0055%; no homozygotes.

Submission:

Ambry Genetics
Classification: Uncertain significance for Inborn genetic diseases. Last evaluated: 2026-08-29. Review status: criteria provided, single submitter. Criteria: Ambry Variant Classification Scheme 2023. Collection method: clinical testing. Allele origin: germline.
Comment: The p.I506K variant (also known as c.1517T>A), located in coding exon 8 of the MECOM gene, results from a T to A substitution at nucleotide position 1517. The isoleucine at codon 506 is replaced by lysine, an amino acid with dissimilar properties. This amino acid position is conserved. In addition, this alteration is predicted to be tolerated by in silico analysis. Based on the available evidence, the clinical significance of this variant remains unclear.